The following is an entry in ClinVar:

NM_016373.4(WWOX):c.689A>C (p.Gln230Pro)

Gene: WWOX (WW domain containing oxidoreductase; plus strand). Cytogenetic location: 16q23.1.
Variant type: single nucleotide variant.
Coding change: c.689A>C on transcript NM_016373.4 (MANE Select); coding-DNA position 689, A replaced by C.
Protein change: p.Gln230Pro; replaces glutamine 230 with proline.
Molecular consequence: missense variant.
Genome position (GRCh38, 1-based): chr16:78,424,953, A>C. VCF-style: chr16-78424953-A-C. GRCh37 (hg19) VCF-style: chr16-78458850-A-C.
Other names: c.350A>C, p.Gln117Pro (NM_001291997.2); c.689A>C (NM_016373.2); short protein forms Q117P, Q230P.
Identifiers: ClinVar variation 813767 (VCV000813767.47), dbSNP rs199628364, ClinGen allele CA8183414.

ClinVar aggregate classification (germline): Pathogenic/Likely pathogenic. Review status: criteria provided, multiple submitters, no conflicts (2 of 4 stars). 17 submissions from 16 submitters: Pathogenic (11); Likely pathogenic (6). Last evaluated 2025-07-16.

Conditions:
Developmental and epileptic encephalopathy, 1 (DEE1). Also called: X-linked infantile spasms; West's syndrome; Tonic spasms with clustering, arrest of psychomotor development and hypsarrhythmia on EEG; X-Linked Infantile Spasm Syndrome; OHTAHARA SYNDROME, X-LINKED; INFANTILE SPASM SYNDROME, X-LINKED 1. Identifiers: MedGen C3463992, MONDO:0010632, OMIM 308350. Disease mechanism: loss of function.
Autosomal recessive spinocerebellar ataxia 12. Also called: SPINOCEREBELLAR ATAXIA WITH MENTAL RETARDATION AND EPILEPSY. Identifiers: Orphanet 284282, MedGen C3280452, MONDO:0013687, OMIM 614322.
Malignant tumor of esophagus. Also called: Esophageal cancer, somatic; Esophageal cancer. Identifiers: Orphanet 99977, MedGen C0546837, MONDO:0007576, OMIM 133239.
Developmental and epileptic encephalopathy, 28 (DEE28). Also called: Epileptic encephalopathy, early infantile, 28. Identifiers: Orphanet 442835, MedGen C4015519, MONDO:0014533, OMIM 616211.
WWOX-related disorder. Also called: WWOX-related condition.
Early Infantile Epileptic Encephalopathy, Autosomal Recessive.
Abnormality of the nervous system. Also called: Congenital nervous system disorder. Identifiers: MedGen C0497552, MONDO:0002320, HP:0000707.

Allele frequency attached by ClinVar (database versions not stated): ExAC 0.00001; gnomAD exomes 0.00001; gnomAD 0.00004; TOPMed 0.00004.
gnomAD v4.1: 26 of 1,613,980 alleles (0.0016%); highest among the groups gnomAD compares: Admixed American, 0.0033%; no homozygotes.

Submissions 1 to 11 of 17:

Labcorp Genetics (formerly Invitae), Labcorp
Classification: Pathogenic for Developmental and epileptic encephalopathy, 1; Autosomal recessive spinocerebellar ataxia 12. Last evaluated: 2025-07-16. Review status: criteria provided, single submitter. Criteria: Invitae Variant Classification Sherloc (09022015). Collection method: clinical testing. Allele origin: germline.
Comment: This sequence change replaces glutamine, which is neutral and polar, with proline, which is neutral and non-polar, at codon 230 of the WWOX protein (p.Gln230Pro). This variant is present in population databases (rs199628364, gnomAD 0.003%). This missense change has been observed in individual(s) with clinical features of autosomal recessive WWOX-related conditions (PMID: 29808465, 30356099, 30853297). In at least one individual the data is consistent with being in trans (on the opposite chromosome) from a pathogenic variant. It has also been observed to segregate with disease in related individuals. ClinVar contains an entry for this variant (Variation ID: 813767). Invitae Evidence Modeling of protein sequence and biophysical properties (such as structural, functional, and spatial information, amino acid conservation, physicochemical variation, residue mobility, and thermodynamic stability) indicates that this missense variant is expected to disrupt WWOX protein function with a positive predictive value of 80%. For these reasons, this variant has been classified as Pathogenic.

3billion
Classification: Pathogenic for Developmental and epileptic encephalopathy, 28. Last evaluated: 2025-06-19. Review status: criteria provided, single submitter. Criteria: ACMG Guidelines, 2015. Collection method: clinical testing. Allele origin: germline. Affected: yes.
Comment: The variant is observed at an extremely low frequency in the gnomAD v4.1.0 dataset (total allele frequency: 0.002%). Predicted Consequence/Location: Missense variant. The majority of the known disease-causing variants of this gene are variants expected to result in premature termination of the protein. Functional studies provide strong evidence of the variant having a damaging effect on the gene or gene product (PMID: 29808465). In silico tool predictions suggest damaging effect of the variant on gene or gene product [REVEL: 0.73 (>=0.6, sensitivity 0.68 and specificity 0.92)]. The same nucleotide change resulting in the same amino acid change has been previously reported as pathogenic/likely pathogenic with strong evidence (ClinVar ID: VCV000813767 /PMID: 29808465). Therefore, this variant is classified as Pathogenic according to the recommendation of ACMG/AMP guideline.

Variantyx, Inc.
Classification: Likely pathogenic for Developmental and epileptic encephalopathy, 28. Last evaluated: 2025-04-12. Review status: criteria provided, single submitter. Criteria: Variantyx Assertion Criteria 2022. Collection method: clinical testing. Allele origin: germline. Inheritance: Autosomal recessive inheritance. Affected: no.
Comment: This is a nonsynonymous variant in the WWOX gene (OMIM: 605131). Pathogenic variants in this gene have been associated with autosomal recessive developmental and epileptic encephalopathy 28. This variant has been identified in the homozygous or compound heterozygous state in at least 4 individuals reported in the published literature (PMID: 29808465, 35792847, 36537114, 38374194) (PM3_Strong). Functional studies have shown that this variant alters WWOX protein function (PMID: 29808465) (PS3)\, and multiple computational algorithms predict a deleterious effect for this variant (REVEL score: 0.726) (PP3). This variant has a 0.0033% maximum allele frequency in non-founder control populations (PM2). Based on the current evidence, this variant is classified as likely pathogenic for autosomal recessive developmental and epileptic encephalopathy 28.

Dasa
Classification: Pathogenic. Last evaluated: 2025-04-10. Review status: criteria provided, single submitter. Criteria: DASA Assertion Criteria. Collection method: clinical testing. Allele origin: germline.
Comment: NM_016373.4(WWOX):c.689A>C (p.Gln230Pro) is a missense variant that results in the substitution of glutamine with proline. This variant has been observed in affected individuals with related phenotype in a genotype context consistent with recessive disease (PMID: 29808465; PMID: 30356099; PMID: 30853297). This variant has been recurrently observed in individuals with related phenotype (PMID: 29808465; PMID: 30356099; PMID: 30853297). Multiple computational predictions support a deleterious effect on the gene or gene product. The variant is present at low frequency in population datasets. Based on the available data, this variant is classified as pathogenic.

GeneDx
Classification: Pathogenic. Last evaluated: 2025-03-24. Review status: criteria provided, single submitter. Criteria: GeneDx Variant Classification Process June 2021. Collection method: clinical testing. Allele origin: germline.
Comment: In silico analysis supports that this missense variant has a deleterious effect on protein structure/function; Not observed at significant frequency in large population cohorts (gnomAD); This variant is associated with the following publications: (PMID: 25411445, 30746283, 33255508, 33916893, 29808465, 35792847, 30853297, 30356099, 36537114, 38161429, 34791078, 38374194, 36779245)

Kids Research, The Children's Hospital at Westmead
Classification: Pathogenic for Developmental and epileptic encephalopathy, 28. Last evaluated: 2024-09-20. Review status: criteria provided, single submitter. Criteria: ACMG Guidelines, 2015. Collection method: research. Allele origin: germline. Affected: yes.
Comment: PM2, PP3, PM3_Very Strong

Baylor Genetics
Classification: Pathogenic for Developmental and epileptic encephalopathy, 28. Last evaluated: 2024-02-18. Review status: criteria provided, single submitter. Criteria: ACMG Guidelines, 2015. Collection method: clinical testing. Allele origin: unknown.

Baylor Genetics
Classification: Pathogenic for Autosomal recessive spinocerebellar ataxia 12. Last evaluated: 2024-02-18. Review status: criteria provided, single submitter. Criteria: ACMG Guidelines, 2015. Collection method: clinical testing. Allele origin: unknown.

PreventionGenetics, part of Exact Sciences
Classification: Likely pathogenic for WWOX-related condition. Last evaluated: 2023-07-14. Review status: criteria provided, single submitter. Criteria: ACMG Guidelines, 2015. Collection method: clinical testing. Allele origin: germline.
Comment: The WWOX c.689A>C variant is predicted to result in the amino acid substitution p.Gln230Pro. This variant was reported in both the homozygous and compound heterozygous state in multiple individuals with early-onset epileptic encephalopathy with developmental delay. (Johannsen et al 2018. PubMed ID: 29808465; Weisz-Hubshman M et al 2019. PubMed ID: 30853297; Piard J et al 2018. PubMed ID: 30356099). In vitro functional studies using patient's fibroblast cells that were homozygous for this variant revealed absence of WWOX protein (Johannsen et al 2018. PubMed ID: 29808465). This variant is reported in 0.0097% of alleles in individuals of Ashkenazi Jewish descent in gnomAD. This variant is interpreted as likely pathogenic.

Women's Health and Genetics/Laboratory Corporation of America, LabCorp
Classification: Pathogenic. Last evaluated: 2022-10-05. Review status: criteria provided, single submitter. Criteria: LabCorp Variant Classification Summary - May 2015. Collection method: clinical testing. Allele origin: germline.
Comment: Variant summary: WWOX c.689A>C (p.Gln230Pro) results in a non-conservative amino acid change located in the WWOX, classical (c)-like SDR domain (IPR 042732) of the encoded protein sequence. Four of five in-silico tools predict a damaging effect of the variant on protein function. The variant allele was found at a frequency of 1.2e-05 in 249564 control chromosomes. c.689A>C has been reported in the literature in multiple clinically diagnosed individuals affected with Early Infantile Epileptic Encephalopathy, Autosomal Recessive (example Johannsen_2018 and Weisz_2019 etc.). These data indicate that the variant is very likely to be associated with disease. Functional assessment in one homozygous patient revealed normal WWOX transcripts but absent WWOX protein on Western blotting suggesting an impaired protein translation or premature degradation of the misfolded protein after transcription due to quality control mechanisms in the endoplasmic reticulum ( Johannsen_2018). Six clinical diagnostic laboratories have submitted clinical-significance assessments for this variant to ClinVar after 2014 and classified the variant as likely pathogenic (n=3) and pathogenic (n=3). Based on the evidence outlined above, the variant was classified as pathogenic.

Mendelics
Classification: Pathogenic for Malignant tumor of esophagus. Last evaluated: 2022-05-04. Review status: criteria provided, single submitter. Criteria: Mendelics Assertion Criteria 2019. Collection method: clinical testing. Allele origin: germline.